The following is an entry in ClinVar:

NM_005477.3(HCN4):c.1895_1897del (p.Met632_Tyr633delinsAsn)

Gene: HCN4 (hyperpolarization activated cyclic nucleotide gated potassium channel 4; minus strand). Cytogenetic location: 15q24.1.
Variant type: Deletion.
Coding change: c.1895_1897del on transcript NM_005477.3 (MANE Select); coding-DNA positions 1895 to 1897, 3 bases deleted (TGT; older notation c.1895_1897delTGT).
Protein change: p.Met632_Tyr633delinsAsn.
Molecular consequence: inframe indel.
Genome position (GRCh38, 1-based): chr15:73,325,036-73,325,038, ACA deleted on the plus strand (TGT on the coding strand, the reverse complement: HCN4 is on the minus strand). VCF-style (leftmost placement, unchanged base first): chr15-73325035-TACA-T. GRCh37 (hg19) VCF-style: chr15-73617376-TACA-T.
Identifiers: ClinVar variation 2114783 (VCV002114783.4), dbSNP rs2549069916, ClinGen allele CA2580090006.

ClinVar aggregate classification (germline): Uncertain significance (1 of 4 stars; one submission).

Conditions:
Brugada syndrome 8 (BRGDA8). Identifiers: Orphanet 130, MedGen C2751083, MONDO:0013148, OMIM 613123.

Submission:

Labcorp Genetics (formerly Invitae), Labcorp
Classification: Uncertain significance for Brugada syndrome 8. Last evaluated: 2022-03-23. Review status: criteria provided, single submitter. Criteria: Invitae Variant Classification Sherloc (09022015). Collection method: clinical testing. Allele origin: germline.
Comment: In summary, the available evidence is currently insufficient to determine the role of this variant in disease. Therefore, it has been classified as a Variant of Uncertain Significance. Experimental studies and prediction algorithms are not available or were not evaluated, and the functional significance of this variant is currently unknown. This variant has not been reported in the literature in individuals affected with HCN4-related conditions. This variant is not present in population databases (gnomAD no frequency). This variant, c.1895_1897del, is a complex sequence change that results in the deletion of 2 and insertion of 1 amino acid(s) in the HCN4 protein (p.Met632_Tyr633delinsAsn).